The following is an entry in ClinVar:

NM_005236.3(ERCC4):c.37G>T (p.Ala13Ser)

Genes: ERCC4 (ERCC excision repair 4, endonuclease catalytic subunit; plus strand), LOC130058543 (ATAC-STARR-seq lymphoblastoid active region 10486; plus strand). Cytogenetic location: 16p13.12.
Variant type: single nucleotide variant.
Coding change: c.37G>T on transcript NM_005236.3 (MANE Select); coding-DNA position 37, G replaced by T.
Protein change: p.Ala13Ser; replaces alanine 13 with serine.
Molecular consequence: missense variant.
Genome position (GRCh38, 1-based): chr16:13,920,202, G>T. VCF-style: chr16-13920202-G-T. GRCh37 (hg19) VCF-style: chr16-14014059-G-T.
Other names: short protein forms A13S.
Identifiers: ClinVar variation 852000 (VCV000852000.12), dbSNP rs374243778, ClinGen allele CA7910070.

ClinVar aggregate classification (germline): Uncertain significance. Review status: criteria provided, multiple submitters, no conflicts (2 of 4 stars). 2 submissions from 2 submitters: Uncertain significance (2). Last evaluated 2025-05-28.

Conditions:
Xeroderma pigmentosum, group F (XPF). Also called: XERODERMA PIGMENTOSUM VI; XP, GROUP F; XERODERMA PIGMENTOSUM, COMPLEMENTATION GROUP F; ERCC4-Related Xeroderma Pigmentosum; XERODERMA PIGMENTOSUM, TYPE F; Xeroderma pigmentosum, type 6. Identifiers: MedGen C0268140, MONDO:0010215, OMIM 278760.
Cockayne syndrome. Identifiers: Orphanet 191, MedGen C0009207, MONDO:0016006.
Fanconi anemia complementation group Q. Identifiers: Orphanet 84, MedGen C3808988, MONDO:0014108, OMIM 615272.

Allele frequency attached by ClinVar (database versions not stated): TOPMed 0.00002; ESP Exome Variant Server 0.00015.
gnomAD v4.1: 8 of 1,607,210 alleles (0.0005%); highest among the groups gnomAD compares: African/African-American, 0.008%; no homozygotes.

Submissions (2):

Labcorp Genetics (formerly Invitae), Labcorp
Classification: Uncertain significance for Fanconi anemia complementation group Q; Xeroderma pigmentosum, group F; Cockayne syndrome. Last evaluated: 2025-05-28. Review status: criteria provided, single submitter. Criteria: Invitae Variant Classification Sherloc (09022015). Collection method: clinical testing. Allele origin: germline.
Comment: This sequence change replaces alanine, which is neutral and non-polar, with serine, which is neutral and polar, at codon 13 of the ERCC4 protein (p.Ala13Ser). The frequency data for this variant in the population databases is considered unreliable, as metrics indicate poor data quality at this position in the gnomAD database. This variant has not been reported in the literature in individuals affected with ERCC4-related conditions. ClinVar contains an entry for this variant (Variation ID: 852000). An algorithm developed to predict the effect of missense changes on protein structure and function (PolyPhen-2) suggests that this variant is likely to be tolerated. In summary, the available evidence is currently insufficient to determine the role of this variant in disease. Therefore, it has been classified as a Variant of Uncertain Significance.

St. Jude Molecular Pathology, St. Jude Children's Research Hospital
Classification: Uncertain significance for Xeroderma pigmentosum, group F. Last evaluated: 2025-02-05. Review status: criteria provided, single submitter. Criteria: St. Jude Assertion Criteria 2020. Collection method: clinical testing. Allele origin: germline.
Comment: The ERCC4 c.37G>T (p.Ala13Ser) missense change has a maximum subpopulation frequency of 0.0063% in gnomAD v2.1.1. The in silico tool REVEL predicts a benign effect on protein function, but this prediction has not been confirmed by functional studies. This variant has not been reported in individuals with Fanconi anemia or xeroderma pigmentosum. In summary, the evidence currently available is insufficient to determine the clinical significance of this variant. It has therefore been classified as of uncertain significance.